The following is an entry in ClinVar:

ClinVar aggregate classification (germline): Likely benign. Review status: reviewed by expert panel (3 of 4 stars). 2 submissions from 2 submitters: Likely benign (1). 1 of the submissions does not count toward it. Last evaluated 2024-02-20.

Conditions:
Glanzmann thrombasthenia. Also called: PLATELET GLYCOPROTEIN IIb-IIIa DEFICIENCY; Thrombasthenia; Glanzmann's thrombasthenia; BLEEDING DISORDER, PLATELET-TYPE, 2; THROMBASTHENIA OF GLANZMANN AND NAEGELI. Identifiers: Orphanet 849, MedGen C0040015, MONDO:0100326.

Allele frequency attached by ClinVar (database versions not stated): gnomAD exomes below 0.00001; TOPMed 0.00003; gnomAD 0.00006; ESP Exome Variant Server 0.00008.
gnomAD v4.1: 73 of 1,613,888 alleles (0.0045%); highest among the groups gnomAD compares: Non-Finnish European, 0.0059%; no homozygotes.

Submissions (2):

ClinGen Platelet Disorders Variant Curation Expert Panel, ClinGen
Classification: Likely benign for Glanzmann thrombasthenia. Last evaluated: 2024-02-20. Review status: reviewed by expert panel. Criteria: ClinGen Platelet ACMG Specifications v2-1. Collection method: curation. Allele origin: germline. Inheritance: Autosomal recessive inheritance.
Comment: The c.2085C>T variant in ITGB3 is a single nucleotide substitution that does not alter the protein sequence (p.Tyr695=). This variant is predicted by SpliceAI to have no significant splicing motif alteration detected (Delta score 0.00) and the nucleotide is not highly conserved (PhyloP score 0.24806) (BP4, BP7). This variant occurs at a very low allele frequency overall in gnomAD v4.0.0 of 0.00004523 with a MAF of 0.00004005 (3/74910) in African/ African American subpopulation (PM2_Supporting). In summary, this variant meets the criteria to be classified as Likely Benign for autosomal recessive Glanzmann Thrombasthenia based on the ACMG/AMP criteria applied, as specified by the ClinGen PD VCEP: BP7, PM2_Supporting, BP4

Labcorp Genetics (formerly Invitae), Labcorp
Classification: Likely benign. Last evaluated: 2025-05-12. Review status: criteria provided, single submitter. Criteria: Invitae Variant Classification Sherloc (09022015). Collection method: clinical testing. Allele origin: germline. Not counted in ClinVar's aggregate classification.

NM_000212.3(ITGB3):c.2085C>T (p.Tyr695=)

Gene: ITGB3 (integrin subunit beta 3; plus strand). Cytogenetic location: 17q21.32.
Variant type: single nucleotide variant.
Coding change: c.2085C>T on transcript NM_000212.3 (MANE Select); coding-DNA position 2085, C replaced by T.
Protein change: p.Tyr695=; no amino-acid change (tyrosine 695 retained).
Molecular consequence: synonymous variant.
Genome position (GRCh38, 1-based): chr17:47,302,791, C>T. VCF-style: chr17-47302791-C-T. GRCh37 (hg19) VCF-style: chr17-45380157-C-T.
Other names: NM_000212.3(ITGB3):c.2085C>T; p.Tyr695=.
Identifiers: ClinVar variation 323871 (VCV000323871.10), dbSNP rs373450805, ClinGen allele CA10646015.